The following is an entry in ClinVar:

NM_001286577.2(C2CD3):c.5567C>T (p.Ser1856Phe)

Gene: C2CD3 (C2 domain containing 3 centriole elongation regulator; minus strand). Cytogenetic location: 11q13.4.
Variant type: single nucleotide variant.
Coding change: c.5567C>T on transcript NM_001286577.2 (MANE Select); coding-DNA position 5567, C replaced by T.
Protein change: p.Ser1856Phe; replaces serine 1856 with phenylalanine.
Molecular consequence: missense variant.
Genome position (GRCh38, 1-based): chr11:74,042,147, G>A on the plus strand (C>T on the coding strand, the complement: C2CD3 is on the minus strand). VCF-style: chr11-74042147-G-A. GRCh37 (hg19) VCF-style: chr11-73753192-G-A.
Other names: c.5567C>T, p.Ser1856Phe (NM_015531.6); short protein forms S1856F.
Identifiers: ClinVar variation 423962 (VCV000423962.2), dbSNP rs756446798, ClinGen allele CA16619404.

ClinVar aggregate classification (germline): Uncertain significance (1 of 4 stars; one submission).

Allele frequency attached by ClinVar (database versions not stated): gnomAD exomes below 0.00001; TOPMed below 0.00001.
gnomAD v4.1: 2 of 1,612,958 alleles (0.00012%); highest among the groups gnomAD compares: South Asian, 0.0011%; no homozygotes.

Submission:

GeneDx
Classification: Uncertain significance. Last evaluated: 2017-03-01. Review status: criteria provided, single submitter. Criteria: GeneDx Variant Classification (06012015). Collection method: clinical testing. Allele origin: germline. Affected: yes.
Comment: The S1856F variant in the C2CD3 gene has not been reported previously as a pathogenic variant, nor as a benign variant, to our knowledge. The S1856F variant is not observed in large population cohorts (Lek et al., 2016; 1000 Genomes Consortium et al., 2015; Exome Variant Server). The S1856F variant is a non-conservative amino acid substitution, which is likely to impact secondary protein structure as these residues differ in polarity, charge, size and/or other properties. This substitution occurs at a position that is conserved across species, and in silico analysis predicts this variant is probably damaging to the protein structure/function. We interpret S1856F as a variant of uncertain significance.